The following is an entry in ClinVar:

ClinVar aggregate classification (germline): Uncertain significance (1 of 4 stars; one submission).

Conditions:
Kufor-Rakeb syndrome (KRS). Also called: PARKINSON DISEASE 9, AUTOSOMAL RECESSIVE, JUVENILE-ONSET. Identifiers: Orphanet 306674, Orphanet 314632, MedGen C1847640, MONDO:0011706, OMIM 606693.
Autosomal recessive spastic paraplegia type 78. Identifiers: Orphanet 513436, MedGen C5567893, MONDO:0014975, OMIM 617225.

Allele frequency attached by ClinVar (database versions not stated): ExAC 0.00002; gnomAD 0.00005; TOPMed 0.00005; ESP Exome Variant Server 0.00008.
gnomAD v4.1: 49 of 1,612,896 alleles (0.003%); highest among the groups gnomAD compares: Admixed American, 0.0033%; no homozygotes.

Submission:

Labcorp Genetics (formerly Invitae), Labcorp
Classification: Uncertain significance for Kufor-Rakeb syndrome; Autosomal recessive spastic paraplegia type 78. Last evaluated: 2024-04-08. Review status: criteria provided, single submitter. Criteria: Invitae Variant Classification Sherloc (09022015). Collection method: clinical testing. Allele origin: germline.
Comment: This sequence change replaces alanine, which is neutral and non-polar, with threonine, which is neutral and polar, at codon 332 of the ATP13A2 protein (p.Ala332Thr). The frequency data for this variant in the population databases is considered unreliable, as metrics indicate poor data quality at this position in the gnomAD database. This variant has not been reported in the literature in individuals affected with ATP13A2-related conditions. ClinVar contains an entry for this variant (Variation ID: 958400). Advanced modeling of protein sequence and biophysical properties (such as structural, functional, and spatial information, amino acid conservation, physicochemical variation, residue mobility, and thermodynamic stability) performed at Invitae indicates that this missense variant is not expected to disrupt ATP13A2 protein function with a negative predictive value of 80%. In summary, the available evidence is currently insufficient to determine the role of this variant in disease. Therefore, it has been classified as a Variant of Uncertain Significance.

NM_022089.4(ATP13A2):c.994G>A (p.Ala332Thr)

Gene: ATP13A2 (ATPase cation transporting 13A2; minus strand). Cytogenetic location: 1p36.13.
Variant type: single nucleotide variant.
Coding change: c.994G>A on transcript NM_022089.4 (MANE Select); coding-DNA position 994, G replaced by A.
Protein change: p.Ala332Thr; replaces alanine 332 with threonine.
Molecular consequence: missense variant.
Genome position (GRCh38, 1-based): chr1:17,000,056, C>T on the plus strand (G>A on the coding strand, the complement: ATP13A2 is on the minus strand). VCF-style: chr1-17000056-C-T. GRCh37 (hg19) VCF-style: chr1-17326551-C-T.
Other names: c.979G>A, p.Ala327Thr (NM_001141973.3, NM_001141974.3); short protein forms A332T, A327T.
Identifiers: ClinVar variation 958400 (VCV000958400.5), dbSNP rs141816878, ClinGen allele CA637407.
Genomic context (GRCh38, chr1:17,000,056, plus strand): 5'-GGGCTGGGGGCTCACCTGTCAGAGAGCTCTCATTCACCATGCACTCGCCGGCCACCAGGG[C>T]GGCATCACAGGGCATCAGCCCACCCTCCTGGGGCAGCACCAGGCAGTCTCCGGGCACTAG-3'
Protein context (NP_071372.1, residues 322-342): QEGGLMPCDA[Ala332Thr]LVAGECMVNE